The following is an entry in ClinVar:

ClinVar aggregate classification (germline): Benign. Review status: criteria provided, multiple submitters, no conflicts (2 of 4 stars). 4 submissions from 4 submitters: Benign (4). Last evaluated 2021-07-15.

Conditions:
Hyperglycinuria. Also called: GLYCINURIA WITH OR WITHOUT OXALATE NEPHROLITHIASIS; GLYCINURIA WITH OR WITHOUT OXALATE UROLITHIASIS; IMINOGLYCINURIA TYPE II. Identifiers: MedGen C0543541, MONDO:0007677, OMIM 138500, HP:0003108.

Allele frequency attached by ClinVar (database versions not stated): ESP Exome Variant Server 0.03269; gnomAD 0.03271 and 0.03455; TOPMed 0.03515; ExAC 0.04349; 1000 Genomes Project 30x 0.05590; 1000 Genomes Project 0.06050.
gnomAD v4.1: 64,797 of 1,609,800 alleles (4%); highest among the groups gnomAD compares: East Asian, 13%; 1,696 homozygotes.

Submissions (4):

Genome-Nilou Lab
Classification: Benign for Hyperglycinuria. Last evaluated: 2021-07-15. Review status: criteria provided, single submitter. Criteria: ACMG Guidelines, 2015. Collection method: clinical testing. Allele origin: germline. Affected: no.

GeneDx
Classification: Benign. Last evaluated: 2021-05-05. Review status: criteria provided, single submitter. Criteria: GeneDx Variant Classification Process June 2021. Collection method: clinical testing. Allele origin: germline. Affected: yes.

Illumina Laboratory Services, Illumina
Classification: Benign for Hyperglycinuria. Last evaluated: 2018-01-12. Review status: criteria provided, single submitter. Criteria: ICSL Variant Classification Criteria 13 December 2019. Collection method: clinical testing. Allele origin: germline.
Comment: This variant was observed in the ICSL laboratory as part of a predisposition screen in an ostensibly healthy population. It had not been previously curated by ICSL or reported in the Human Gene Mutation Database (HGMD: prior to June 1st, 2018), and was therefore a candidate for classification through an automated scoring system. Utilizing variant allele frequency, disease prevalence and penetrance estimates, and inheritance mode, an automated score was calculated to assess if this variant is too frequent to cause the disease. Based on the score and internal cut-off values, a variant classified as benign is not then subjected to further curation. The score for this variant resulted in a classification of benign for this disease.

Breakthrough Genomics
Classification: Benign. Review status: criteria provided, single submitter. Criteria: ACMG Guidelines, 2015. Collection method: not provided. Allele origin: germline. Inheritance: Autosomal recessive inheritance. Affected: yes.

NM_020208.4(SLC6A20):c.693+4C>T

Gene: SLC6A20 (solute carrier family 6 member 20; minus strand). Cytogenetic location: 3p21.31.
Variant type: single nucleotide variant.
Coding change: c.693+4C>T on transcript NM_020208.4 (MANE Select); 4 bases into the intron after coding-DNA position 693, C replaced by T.
Molecular consequence: intron variant.
Genome position (GRCh38, 1-based): chr3:45,772,501, G>A on the plus strand (C>T on the coding strand, the complement: SLC6A20 is on the minus strand). VCF-style: chr3-45772501-G-A. GRCh37 (hg19) VCF-style: chr3-45813993-G-A.
Other names: c.583-1043C>T (NM_022405.4).
Identifiers: ClinVar variation 345411 (VCV000345411.9), dbSNP rs2276858, ClinGen allele CA2351529.